The following is an entry in ClinVar:

NM_024928.5(STN1):c.582-12_582-11del

Gene: STN1 (STN1 subunit of CST complex; minus strand). Cytogenetic location: 10q24.33.
Variant type: Deletion.
Coding change: c.582-12_582-11del on transcript NM_024928.5 (MANE Select); 12 bases into the intron before coding-DNA position 582 through 11 bases into the intron before coding-DNA position 582, 2 bases deleted (TT; older notation c.582-12_582-11delTT).
Molecular consequence: intron variant.
Genome position (GRCh38, 1-based): chr10:103,897,730-103,897,731, AA deleted on the plus strand (TT on the coding strand, the reverse complement: STN1 is on the minus strand); deleting any 2 consecutive bases within chr10:103,897,730-103,897,732 gives the same sequence; the c. name uses the placement nearest the transcript's 3' end. VCF-style (leftmost placement, unchanged base first): chr10-103897729-GAA-G. GRCh37 (hg19) VCF-style: chr10-105657487-GAA-G.
Identifiers: ClinVar variation 1930305 (VCV001930305.3), dbSNP rs768344335, ClinGen allele CA5676568.

ClinVar aggregate classification (germline): Uncertain significance (1 of 4 stars; one submission).

Submission:

Labcorp Genetics (formerly Invitae), Labcorp
Classification: Uncertain significance. Last evaluated: 2022-06-11. Review status: criteria provided, single submitter. Criteria: Invitae Variant Classification Sherloc (09022015). Collection method: clinical testing. Allele origin: germline.
Comment: In summary, the available evidence is currently insufficient to determine the role of this variant in disease. Therefore, it has been classified as a Variant of Uncertain Significance. Algorithms developed to predict the effect of sequence changes on RNA splicing suggest that this variant may create or strengthen a splice site. This variant has not been reported in the literature in individuals affected with STN1-related conditions. This variant is present in population databases (rs768344335, gnomAD 0.004%). This sequence change falls in intron 6 of the STN1 gene. It does not directly change the encoded amino acid sequence of the STN1 protein.